The following is an entry in ClinVar:

ClinVar aggregate classification (germline): Uncertain significance. Review status: criteria provided, multiple submitters, no conflicts (2 of 4 stars). 4 submissions from 4 submitters: Uncertain significance (4). Last evaluated 2026-08-13.

Conditions:
MYO7A-related disorder. Also called: MYO7A-related disorders.

Allele frequency attached by ClinVar (database versions not stated): gnomAD 0.00001; ExAC 0.00002; gnomAD exomes 0.00002 and 0.00005; TOPMed 0.00002.
gnomAD v4.1: 15 of 1,613,346 alleles (0.00093%); highest among the groups gnomAD compares: Admixed American, 0.025%; no homozygotes.

Submissions (4):

PreventionGenetics, part of Exact Sciences
Classification: Uncertain significance for MYO7A-related condition. Last evaluated: 2026-08-13. Review status: criteria provided, single submitter. Criteria: ACMG Guidelines, 2015. Collection method: clinical testing. Allele origin: germline.
Comment: The MYO7A c.2855C>T variant is predicted to result in the amino acid substitution p.Thr952Ile. To our knowledge, this variant has not been reported in the literature. This variant is present in 0.038% of alleles in individuals of Latino descent in gnomAD. This variant has been shown to co-occur on the same allele with c.3276C>T (p.=) in gnomAD. At this time, the clinical significance of this variant is uncertain due to the absence of conclusive functional and genetic evidence.

Women's Health and Genetics/Laboratory Corporation of America, LabCorp
Classification: Uncertain significance. Last evaluated: 2026-06-18. Review status: criteria provided, single submitter. Criteria: LabCorp Variant Classification Summary - May 2015. Collection method: clinical testing. Allele origin: germline.
Comment: Variant summary: MYO7A c.2855C>T (p.Thr952Ile) results in a non-conservative amino acid change in the encoded protein sequence. Algorithms developed to predict the effect of missense changes on protein structure and function all suggest that this variant is likely to be disruptive. The variant allele was found at a frequency of 5.2e-05 in 248004 control chromosomes. This frequency is not significantly higher than estimated for disease-causing variants in MYO7A, allowing no conclusion about variant significance. To our knowledge, no occurrence of c.2855C>T in individuals affected with MYO7A-related conditions and no experimental evidence demonstrating its impact on protein function have been reported. ClinVar contains an entry for this variant (Variation ID: 1431038). Based on the evidence outlined above, the variant was classified as uncertain significance.

GeneDx
Classification: Uncertain significance. Last evaluated: 2026-04-24. Review status: criteria provided, single submitter. Criteria: GeneDx Variant Classification Process June 2021. Collection method: clinical testing. Allele origin: germline.
Comment: In silico analysis supports that this missense variant has a deleterious effect on protein structure/function; Has not been previously published as pathogenic or benign to our knowledge

Labcorp Genetics (formerly Invitae), Labcorp
Classification: Uncertain significance. Last evaluated: 2026-01-02. Review status: criteria provided, single submitter. Criteria: Invitae Variant Classification Sherloc (09022015). Collection method: clinical testing. Allele origin: germline.
Comment: This sequence change replaces threonine, which is neutral and polar, with isoleucine, which is neutral and non-polar, at codon 952 of the MYO7A protein (p.Thr952Ile). This variant is present in population databases (rs782744022, gnomAD 0.04%). This variant has not been reported in the literature in individuals affected with MYO7A-related conditions. ClinVar contains an entry for this variant (Variation ID: 1431038). Invitae Evidence Modeling of protein sequence and biophysical properties (such as structural, functional, and spatial information, amino acid conservation, physicochemical variation, residue mobility, and thermodynamic stability) indicates that this missense variant is not expected to disrupt MYO7A protein function with a negative predictive value of 95%. In summary, the available evidence is currently insufficient to determine the role of this variant in disease. Therefore, it has been classified as a Variant of Uncertain Significance.

NM_000260.4(MYO7A):c.2855C>T (p.Thr952Ile)

Gene: MYO7A (myosin VIIA; plus strand). Cytogenetic location: 11q13.5.
Variant type: single nucleotide variant.
Coding change: c.2855C>T on transcript NM_000260.4 (MANE Select); coding-DNA position 2855, C replaced by T.
Protein change: p.Thr952Ile; replaces threonine 952 with isoleucine.
Molecular consequence: missense variant.
Genome position (GRCh38, 1-based): chr11:77,181,540, C>T. VCF-style: chr11-77181540-C-T. GRCh37 (hg19) VCF-style: chr11-76892586-C-T.
Other names: c.2855C>T (NM_000260.3); c.2855C>T, p.Thr952Ile (NM_001127180.2); c.2822C>T, p.Thr941Ile (NM_001369365.1); short protein forms T952I, T941I.
Identifiers: ClinVar variation 1431038 (VCV001431038.9), dbSNP rs782744022, ClinGen allele CA6197945.